The following is an entry in ClinVar:

ClinVar aggregate classification (germline): Uncertain significance. Review status: criteria provided, multiple submitters, no conflicts (2 of 4 stars). 2 submissions from 2 submitters: Uncertain significance (2). Last evaluated 2026-03-20.

Conditions:
Hereditary cancer-predisposing syndrome. Also called: Hereditary Cancer Syndrome; Neoplastic Syndromes, Hereditary; Hereditary neoplastic syndrome; Tumor predisposition. Identifiers: Orphanet 140162, MedGen C0027672, MeSH D009386, MONDO:0015356.
Carney complex, type 1 (CNC1). Also called: CARNEY MYXOMA-ENDOCRINE COMPLEX; CARNEY COMPLEX, TYPE I. Identifiers: Orphanet 1359, MedGen C2607929, MONDO:0008057, OMIM 160980.

Submissions (2):

Ambry Genetics
Classification: Uncertain significance for Hereditary cancer-predisposing syndrome. Last evaluated: 2026-03-20. Review status: criteria provided, single submitter. Criteria: Ambry Variant Classification Scheme 2023. Collection method: clinical testing. Allele origin: germline.
Comment: The p.A160V variant (also known as c.479C>T), located in coding exon 4 of the PRKAR1A gene, results from a C to T substitution at nucleotide position 479. The alanine at codon 160 is replaced by valine, an amino acid with similar properties. This amino acid position is conserved. In addition, this alteration is predicted to be deleterious by in silico analysis. Based on the available evidence, the clinical significance of this variant remains unclear.

Labcorp Genetics (formerly Invitae), Labcorp
Classification: Uncertain significance for Carney complex, type 1. Last evaluated: 2024-04-16. Review status: criteria provided, single submitter. Criteria: Invitae Variant Classification Sherloc (09022015). Collection method: clinical testing. Allele origin: germline.
Comment: This sequence change replaces alanine, which is neutral and non-polar, with valine, which is neutral and non-polar, at codon 160 of the PRKAR1A protein (p.Ala160Val). This variant is not present in population databases (gnomAD no frequency). This variant has not been reported in the literature in individuals affected with PRKAR1A-related conditions. ClinVar contains an entry for this variant (Variation ID: 1720067). Advanced modeling of protein sequence and biophysical properties (such as structural, functional, and spatial information, amino acid conservation, physicochemical variation, residue mobility, and thermodynamic stability) performed at Invitae indicates that this missense variant is not expected to disrupt PRKAR1A protein function with a negative predictive value of 80%. In summary, the available evidence is currently insufficient to determine the role of this variant in disease. Therefore, it has been classified as a Variant of Uncertain Significance.

NM_002734.5(PRKAR1A):c.479C>T (p.Ala160Val)

Gene: PRKAR1A (protein kinase cAMP-dependent type I regulatory subunit alpha; plus strand). Cytogenetic location: 17q24.2.
Variant type: single nucleotide variant.
Coding change: c.479C>T on transcript NM_002734.5 (MANE Select); coding-DNA position 479, C replaced by T.
Protein change: p.Ala160Val; replaces alanine 160 with valine.
Molecular consequence: missense variant.
Genome position (GRCh38, 1-based): chr17:68,524,054, C>T. VCF-style: chr17-68524054-C-T. GRCh37 (hg19) VCF-style: chr17-66520195-C-T.
Other names: c.479C>T, p.Ala160Val (NM_001276289.2, NM_001276290.1, NM_001278433.2 and 4 more transcripts); c.479C>T (NM_002734.3); short protein forms A160V.
Identifiers: ClinVar variation 1720067 (VCV001720067.6), dbSNP rs2509407463, ClinGen allele CA400752858.